The following is an entry in ClinVar:

NM_004360.5(CDH1):c.387+4T>C

Gene: CDH1 (cadherin 1; plus strand). Cytogenetic location: 16q22.1.
Variant type: single nucleotide variant.
Coding change: c.387+4T>C on transcript NM_004360.5 (MANE Select); 4 bases into the intron after coding-DNA position 387, T replaced by C.
Molecular consequence: intron variant.
Genome position (GRCh38, 1-based): chr16:68,801,897, T>C. VCF-style: chr16-68801897-T-C. GRCh37 (hg19) VCF-style: chr16-68835800-T-C.
Other names: c.-1229+4T>C (NM_001317185.2); c.-1433+4T>C (NM_001317186.2); c.387+4T>C (NM_001317184.2).
Identifiers: ClinVar variation 3488660 (VCV003488660.1).
Genomic context (GRCh38, chr16:68,801,897, plus strand): 5'-TCCACCAAAGTCACGCTGAATACAGTGGGGCACCACCACCGCCCCCCGCCCCATCAGGTA[T>C]GTTGGCATTTTTCTGAGAAGTTCGCTGTTGTTTTAGTGCGCTGTCTAATCCAGGTTTCTC-3'

ClinVar aggregate classification (germline): Uncertain significance (1 of 4 stars; one submission).

Conditions:
Hereditary cancer-predisposing syndrome. Also called: Tumor predisposition; Neoplastic Syndromes, Hereditary; Hereditary Cancer Syndrome; Hereditary neoplastic syndrome. Identifiers: Orphanet 140162, MedGen C0027672, MeSH D009386, MONDO:0015356.

Submission:

Ambry Genetics
Classification: Uncertain significance for Hereditary cancer-predisposing syndrome. Last evaluated: 2024-10-25. Review status: criteria provided, single submitter. Criteria: Ambry Variant Classification Scheme 2023. Collection method: clinical testing. Allele origin: germline.
Comment: The c.387+4T>C intronic variant results from a T to C substitution 4 nucleotides after coding exon 3 in the CDH1 gene. This nucleotide position is not well conserved in available vertebrate species. In silico splice site analysis predicts that this alteration will not have any significant effect on splicing. Based on the available evidence, the clinical significance of this variant remains unclear.